The following is an entry in ClinVar:

NM_000548.5(TSC2):c.1874C>G (p.Ser625Ter)

Gene: TSC2 (TSC complex subunit 2; plus strand). Cytogenetic location: 16p13.3.
Variant type: single nucleotide variant.
Coding change: c.1874C>G on transcript NM_000548.5 (MANE Select); coding-DNA position 1874, C replaced by G.
Protein change: p.Ser625Ter; replaces serine 625 with a stop codon.
Molecular consequence: nonsense. On other transcripts: non-coding transcript variant (5).
Genome position (GRCh38, 1-based): chr16:2,071,544, C>G. VCF-style: chr16-2071544-C-G. GRCh37 (hg19) VCF-style: chr16-2121545-C-G.
Other names: c.1874C>G, p.Ser625Ter (NM_001077183.3, NM_001114382.3, NM_001363528.2 and 6 more transcripts); c.1763C>G, p.Ser588Ter (NM_001318827.2, NM_001406670.1, NM_001406678.1); c.1727C>G, p.Ser576Ter (NM_001318829.2, NM_001406675.1, NM_001406676.1 and 1 more transcripts); c.1274C>G, p.Ser425Ter (NM_001318831.2, NM_001406680.1, NM_001406682.1 and 6 more transcripts); c.1907C>G, p.Ser636Ter (NM_001318832.2); c.1964C>G, p.Ser655Ter (NM_001406667.1, NM_001406668.1); c.1862C>G, p.Ser621Ter (NM_001406671.1, NM_001406673.1); c.1817C>G, p.Ser606Ter (NM_001406677.1); and 3 more; short protein forms S471*, S576*, S425*, S636*, S655*, S91*, S606*, S621*.
Identifiers: ClinVar variation 4983392 (VCV004983392.1).
Genomic context (GRCh38, chr16:2,071,544, plus strand): 5'-GGCTTTCACCATCCTCTTCCTGACAGGCCTTTGACTTCCTGTTGCTGCTGCGGGCCGACT[C>G]ACTGCACCGCCTGGGCCTGCCCAACAAGGATGGAGTCGTGCGGTTCAGCCCCTACTGCGT-3'

ClinVar aggregate classification (germline): Pathogenic (1 of 4 stars; one submission).

Conditions:
TSC2-related disorder. Also called: TSC2-Related Disorders; TSC2-related condition.

Submission:

PreventionGenetics, part of Exact Sciences
Classification: Pathogenic for TSC2-related condition. Last evaluated: 2025-12-04. Review status: criteria provided, single submitter. Criteria: ACMG Guidelines, 2015. Collection method: clinical testing. Allele origin: germline.
Comment: The TSC2 c.1874C>G variant is predicted to result in premature protein termination (p.Ser625*). This variant has been reported in individuals with tuberous sclerosis complex and to be risen de novo in at least one individual (Table S1, Ding et al. 2020. PubMed ID: 32211034; Wang et al. 2022. PubMed ID: 35712104). This variant has not been reported in a large population database (gnomAD), indicating this variant is rare. At the time of reporting this variant is absent in ClinVar. Nonsense variants in TSC2 are expected to be pathogenic. This variant is interpreted as pathogenic.